The following is an entry in ClinVar:

NM_000428.3(LTBP2):c.2327T>C (p.Val776Ala)

Gene: LTBP2 (latent transforming growth factor beta binding protein 2; minus strand). Cytogenetic location: 14q24.3.
Variant type: single nucleotide variant.
Coding change: c.2327T>C on transcript NM_000428.3 (MANE Select); coding-DNA position 2327, T replaced by C.
Protein change: p.Val776Ala; replaces valine 776 with alanine.
Molecular consequence: missense variant.
Genome position (GRCh38, 1-based): chr14:74,528,524, A>G on the plus strand (T>C on the coding strand, the complement: LTBP2 is on the minus strand). VCF-style: chr14-74528524-A-G. GRCh37 (hg19) VCF-style: chr14-74995227-A-G.
Other names: c.2327T>C (NM_000428.2); short protein forms V776A.
Identifiers: ClinVar variation 1992044 (VCV001992044.2), dbSNP rs371160060, ClinGen allele CA7269574.
Genomic context (GRCh38, chr14:74,528,524, plus strand): 5'-TCTCCCCCAGCTCAGATACCCTTGTCAGGGATGGTCCCGGCCTCAAGCCAGGTGTCCGTG[A>G]CGACCCGGAGGGGCTGCCTCTCTGCTGGCCCGGGCAGTGCCCCGCTGCTCCTCTGCCCTT-3'
Protein context (NP_000419.1, residues 766-786): GPAERQPLRV[Val776Ala]TDTWLEAGTI

ClinVar aggregate classification (germline): Conflicting classifications of pathogenicity. Review status: criteria provided, conflicting classifications (1 of 4 stars). 2 submissions from 2 submitters: Uncertain significance (1); Likely benign (1). Last evaluated 2025-10-07.

Conditions:
Inborn genetic diseases. Identifiers: MedGen C0950123, MeSH D030342.

Allele frequency attached by ClinVar (database versions not stated): ESP Exome Variant Server 0.00008; gnomAD exomes below 0.00001; gnomAD 0.00005; ExAC 0.00002; TOPMed 0.00006.
gnomAD v4.1: 11 of 1,612,200 alleles (0.00068%); highest among the groups gnomAD compares: African/African-American, 0.013%; no homozygotes.

Submissions (2):

Ambry Genetics
Classification: Likely benign for Inborn genetic diseases. Last evaluated: 2025-10-07. Review status: criteria provided, single submitter. Criteria: Ambry Variant Classification Scheme 2023. Collection method: clinical testing. Allele origin: germline.

Labcorp Genetics (formerly Invitae), Labcorp
Classification: Uncertain significance. Last evaluated: 2022-05-11. Review status: criteria provided, single submitter. Criteria: Invitae Variant Classification Sherloc (09022015). Collection method: clinical testing. Allele origin: germline.
Comment: This sequence change replaces valine, which is neutral and non-polar, with alanine, which is neutral and non-polar, at codon 776 of the LTBP2 protein (p.Val776Ala). This variant is present in population databases (rs371160060, gnomAD 0.02%). This variant has not been reported in the literature in individuals affected with LTBP2-related conditions. Algorithms developed to predict the effect of missense changes on protein structure and function output the following: SIFT: "Tolerated"; PolyPhen-2: "Benign"; Align-GVGD: "Class C0". The alanine amino acid residue is found in multiple mammalian species, which suggests that this missense change does not adversely affect protein function. In summary, the available evidence is currently insufficient to determine the role of this variant in disease. Therefore, it has been classified as a Variant of Uncertain Significance.